The following is an entry in ClinVar:

ClinVar aggregate classification (germline): Uncertain significance (1 of 4 stars; one submission).

Submission:

GeneDx
Classification: Uncertain significance. Last evaluated: 2026-02-26. Review status: criteria provided, single submitter. Criteria: GeneDx Variant Classification Process June 2021. Collection method: clinical testing. Allele origin: germline.
Comment: Not observed at significant frequency in large population cohorts (gnomAD); In silico analysis supports that this missense variant has a deleterious effect on protein structure/function; Has not been previously published as pathogenic or benign to our knowledge

NM_001278064.2(GRM1):c.283C>T (p.Leu95Phe)

Gene: GRM1 (glutamate metabotropic receptor 1; plus strand). Cytogenetic location: 6q24.3.
Variant type: single nucleotide variant.
Coding change: c.283C>T on transcript NM_001278064.2 (MANE Select); coding-DNA position 283, C replaced by T.
Protein change: p.Leu95Phe; replaces leucine 95 with phenylalanine.
Molecular consequence: missense variant.
Genome position (GRCh38, 1-based): chr6:146,029,800, C>T. VCF-style: chr6-146029800-C-T. GRCh37 (hg19) VCF-style: chr6-146350936-C-T.
Other names: c.283C>T, p.Leu95Phe (NM_001278065.2, NM_001278066.1, NM_001278067.1); short protein forms L95F.
Identifiers: ClinVar variation 5008062 (VCV005008062.1).
Genomic context (GRCh38, chr6:146,029,800, plus strand): 5'-GGCATCCAGAGGGTGGAGGCCATGTTCCACACGTTGGATAAGATCAACGCGGACCCGGTC[C>T]TCCTGCCCAACATCACCCTGGGCAGTGAGATCCGGGACTCCTGCTGGCACTCTTCCGTGG-3'
Protein context (NP_001264993.1, residues 85-105): TLDKINADPV[Leu95Phe]LPNITLGSEI